The following is an entry in ClinVar:

NM_001303.4(COX10):c.906G>A (p.Ala302=)

Genes: COX10 (cytochrome c oxidase assembly factor heme A:farnesyltransferase COX10; plus strand), LOC105943586 (distal CMT1A-REP; plus strand). Cytogenetic location: 17p12.
Variant type: single nucleotide variant.
Coding change: c.906G>A on transcript NM_001303.4 (MANE Select); coding-DNA position 906, G replaced by A.
Protein change: p.Ala302=; no amino-acid change (alanine 302 retained).
Molecular consequence: synonymous variant.
Genome position (GRCh38, 1-based): chr17:14,192,199, G>A. VCF-style: chr17-14192199-G-A. GRCh37 (hg19) VCF-style: chr17-14095516-G-A.
Identifiers: ClinVar variation 444400 (VCV000444400.43), dbSNP rs781027968, ClinGen allele CA8402458.

ClinVar aggregate classification (germline): Likely benign (1 of 4 stars; one submission).

Allele frequency attached by ClinVar (database versions not stated): gnomAD exomes 0.00004; ExAC 0.00006; gnomAD 0.00009.

Submission:

CeGaT Center for Human Genetics Tuebingen
Classification: Likely benign. Last evaluated: 2024-10-01. Review status: criteria provided, single submitter. Criteria: CeGaT Center For Human Genetics Tuebingen Variant Classification Criteria Version 2. Collection method: clinical testing. Allele origin: germline. Affected: yes. Observed: 3 variant alleles.
Comment: COX10: BP4, BP7